The following is an entry in ClinVar:

NM_001077653.2(TBX20):c.355G>A (p.Glu119Lys)

Gene: TBX20 (T-box transcription factor 20; minus strand). Cytogenetic location: 7p14.2.
Variant type: single nucleotide variant.
Coding change: c.355G>A on transcript NM_001077653.2 (MANE Select); coding-DNA position 355, G replaced by A.
Protein change: p.Glu119Lys; replaces glutamic acid 119 with lysine.
Molecular consequence: missense variant.
Genome position (GRCh38, 1-based): chr7:35,249,976, C>T on the plus strand (G>A on the coding strand, the complement: TBX20 is on the minus strand). VCF-style: chr7-35249976-C-T. GRCh37 (hg19) VCF-style: chr7-35289588-C-T.
Other names: c.355G>A, p.Glu119Lys (NM_001166220.1); short protein forms E119K.
Identifiers: ClinVar variation 2150137 (VCV002150137.4), dbSNP rs2546997293, ClinGen allele CA367264936.
Genomic context (GRCh38, chr7:35,249,976, plus strand): 5'-CCACCCCCAACCCCCAACCCCCAAGTCCCAACTACCTGCCCGACTTGGTGATGATCATCT[C>T]GGTGCCCAGCTCATGGAATTTGTCCCAAAGCTCCTTGGTCTCCAGGCTGCAGGCAATTTT-3'
Protein context (NP_001071121.1, residues 109-129): LWDKFHELGT[Glu119Lys]MIITKSGRRM

ClinVar aggregate classification (germline): Uncertain significance (1 of 4 stars; one submission).

Submission:

Labcorp Genetics (formerly Invitae), Labcorp
Classification: Uncertain significance. Last evaluated: 2025-02-20. Review status: criteria provided, single submitter. Criteria: Invitae Variant Classification Sherloc (09022015). Collection method: clinical testing. Allele origin: germline.
Comment: This sequence change replaces glutamic acid, which is acidic and polar, with lysine, which is basic and polar, at codon 119 of the TBX20 protein (p.Glu119Lys). This variant is not present in population databases (gnomAD no frequency). This missense change has been observed in individual(s) with dilated cardiomyopathy (PMID: 37767697). ClinVar contains an entry for this variant (Variation ID: 2150137). Invitae Evidence Modeling of protein sequence and biophysical properties (such as structural, functional, and spatial information, amino acid conservation, physicochemical variation, residue mobility, and thermodynamic stability) indicates that this missense variant is expected to disrupt TBX20 protein function with a positive predictive value of 80%. In summary, the available evidence is currently insufficient to determine the role of this variant in disease. Therefore, it has been classified as a Variant of Uncertain Significance.

Literature cited by the submitters: PubMed 37767697.